The following is an entry in ClinVar:

ClinVar aggregate classification (germline): Uncertain significance (1 of 4 stars; one submission).

Conditions:
Ellis-van Creveld syndrome (EVC). Also called: EVC-Related Ellis-van Creveld Syndrome; EVC2-Related Ellis-van Creveld Syndrome; MESOECTODERMAL DYSPLASIA; Chondroectodermal dysplasia. Identifiers: Orphanet 289, MedGen C0013903, MONDO:0009162, OMIM 225500.
Curry-Hall syndrome (WAD). Also called: WEYERS ACRODENTAL DYSOSTOSIS. Identifiers: Orphanet 952, MedGen C0457013, MONDO:0008673, OMIM 193530.

Submission:

Labcorp Genetics (formerly Invitae), Labcorp
Classification: Uncertain significance for Curry-Hall syndrome; Ellis-van Creveld syndrome. Last evaluated: 2025-04-20. Review status: criteria provided, single submitter. Criteria: Invitae Variant Classification Sherloc (09022015). Collection method: clinical testing. Allele origin: germline.
Comment: This sequence change replaces glutamic acid, which is acidic and polar, with aspartic acid, which is acidic and polar, at codon 571 of the EVC2 protein (p.Glu571Asp). This variant is not present in population databases (gnomAD no frequency). This variant has not been reported in the literature in individuals affected with EVC2-related conditions. An algorithm developed to predict the effect of missense changes on protein structure and function outputs the following: PolyPhen-2: "Benign". The aspartic acid amino acid residue is found in multiple mammalian species, which suggests that this missense change does not adversely affect protein function. In summary, the available evidence is currently insufficient to determine the role of this variant in disease. Therefore, it has been classified as a Variant of Uncertain Significance.

NM_147127.5(EVC2):c.1713G>T (p.Glu571Asp)

Gene: EVC2 (EvC ciliary complex subunit 2; minus strand). Cytogenetic location: 4p16.2.
Variant type: single nucleotide variant.
Coding change: c.1713G>T on transcript NM_147127.5 (MANE Select); coding-DNA position 1713, G replaced by T.
Protein change: p.Glu571Asp; replaces glutamic acid 571 with aspartic acid.
Molecular consequence: missense variant.
Genome position (GRCh38, 1-based): chr4:5,628,732, C>A on the plus strand (G>T on the coding strand, the complement: EVC2 is on the minus strand). VCF-style: chr4-5628732-C-A. GRCh37 (hg19) VCF-style: chr4-5630459-C-A.
Other names: c.1473G>T, p.Glu491Asp (NM_001166136.2); short protein forms E491D, E571D.
Identifiers: ClinVar variation 4791469 (VCV004791469.1).